The following is an entry in ClinVar:

NM_001083962.2(TCF4):c.1239dup (p.Gly414fs)

Gene: TCF4 (transcription factor 4; minus strand). Cytogenetic location: 18q21.2.
Variant type: Duplication.
Coding change: c.1239dup on transcript NM_001083962.2 (MANE Select); coding-DNA position 1239, one base duplicated (T; older notation c.1239dupT).
Protein change: p.Gly414fs; shifts the reading frame from glycine 414.
Molecular consequence: frameshift variant.
Genome position (GRCh38, 1-based): chr18:55,254,608, A duplicated on the plus strand (T on the coding strand, the reverse complement: TCF4 is on the minus strand). VCF-style (leftmost placement, unchanged base first): chr18-55254607-C-CA. GRCh37 (hg19) VCF-style: chr18-52921838-C-CA.
Other names: c.1545dup, p.Gly516fs (NM_001243226.3); c.1167dup, p.Gly390fs (NM_001243227.2, NM_001306207.1, NM_001348217.1 and 5 more transcripts); c.1257dup, p.Gly420fs (NM_001243228.2); c.1230dup, p.Gly411fs (NM_001243230.2); c.1113dup, p.Gly372fs (NM_001243231.2, NM_001348211.2); c.1026dup, p.Gly343fs (NM_001243232.1, NM_001306208.1); c.849dup, p.Gly284fs (NM_001243233.2, NM_001330605.3, NM_001348212.2 and 1 more transcripts); c.759dup, p.Gly254fs (NM_001243234.2, NM_001243235.2, NM_001243236.2 and 1 more transcripts); and 7 more; short protein forms G253fs, G284fs, G372fs, G391fs, G420fs, G516fs, G198fs, G343fs.
Identifiers: ClinVar variation 450498 (VCV000450498.2), dbSNP rs1555764460, ClinGen allele CA658658758.

ClinVar aggregate classification (germline): Pathogenic (1 of 4 stars; one submission).

Submission:

GeneDx
Classification: Pathogenic. Last evaluated: 2017-07-14. Review status: criteria provided, single submitter. Criteria: GeneDx Variant Classification (06012015). Collection method: clinical testing. Allele origin: germline. Affected: yes.
Comment: The c.1239dupT pathogenic variant in the TCF4 gene causes a frameshift starting with codon Glycine 414, changes this amino acid to a Tryptophan residue and creates a premature Stop codon at position 14 of the new reading frame, denoted p.G414WfsX14. This pathogenic variant is predicted to cause loss of normal protein function either through protein truncation or nonsense-mediated mRNA decay. The c.1239dupT variant is not observed in large population cohorts (Lek et al., 2016; 1000 Genomes Consortium et al., 2015; Exome Variant Server).